The following is an entry in ClinVar:

NM_053025.4(MYLK):c.4699C>T (p.Arg1567Trp)

Gene: MYLK (myosin light chain kinase; minus strand). Cytogenetic location: 3q21.1.
Variant type: single nucleotide variant.
Coding change: c.4699C>T on transcript NM_053025.4 (MANE Select); coding-DNA position 4699, C replaced by T.
Protein change: p.Arg1567Trp; replaces arginine 1567 with tryptophan.
Molecular consequence: missense variant.
Genome position (GRCh38, 1-based): chr3:123,640,425, G>A on the plus strand (C>T on the coding strand, the complement: MYLK is on the minus strand). VCF-style: chr3-123640425-G-A. GRCh37 (hg19) VCF-style: chr3-123359272-G-A.
Other names: c.4171C>T, p.Arg1391Trp (NM_001321309.2); c.4492C>T, p.Arg1498Trp (NM_053026.4, NM_053028.4); c.4699C>T, p.Arg1567Trp (NM_053027.4); short protein forms R1498W, R1567W, R1391W.
Identifiers: ClinVar variation 1385287 (VCV001385287.12), dbSNP rs1347636672, ClinGen allele CA354226153.

ClinVar aggregate classification (germline): Uncertain significance. Review status: criteria provided, multiple submitters, no conflicts (2 of 4 stars). 3 submissions from 3 submitters: Uncertain significance (3). Last evaluated 2024-11-25.

Conditions:
Megacystis-microcolon-intestinal hypoperistalsis syndrome 1. Identifiers: MedGen C5542316, MONDO:0100354, OMIM 249210.
Aortic aneurysm, familial thoracic 7 (AAT7). Also called: AORTIC DISSECTION, FAMILIAL, WITH OR WITHOUT AORTIC ANEURYSM. Identifiers: MedGen C3151077, MONDO:0013418, OMIM 613780.
Familial thoracic aortic aneurysm and aortic dissection (TAAD). Also called: Thoracic aortic aneurysms and dissections. Identifiers: Orphanet 91387, MedGen C4707243, MONDO:0019625.

Submissions (3):

Ambry Genetics
Classification: Uncertain significance for Familial thoracic aortic aneurysm and aortic dissection. Last evaluated: 2024-11-25. Review status: criteria provided, single submitter. Criteria: Ambry Variant Classification Scheme 2023. Collection method: clinical testing. Allele origin: germline.

Fulgent Genetics
Classification: Uncertain significance for Megacystis-microcolon-intestinal hypoperistalsis syndrome 1; Aortic aneurysm, familial thoracic 7. Last evaluated: 2021-08-12. Review status: criteria provided, single submitter. Criteria: ACMG Guidelines, 2015. Collection method: clinical testing. Allele origin: unknown.

Labcorp Genetics (formerly Invitae), Labcorp
Classification: Uncertain significance for Aortic aneurysm, familial thoracic 7. Last evaluated: 2021-07-13. Review status: criteria provided, single submitter. Criteria: Invitae Variant Classification Sherloc (09022015). Collection method: clinical testing. Allele origin: germline.
Comment: This sequence change replaces arginine with tryptophan at codon 1567 of the MYLK protein (p.Arg1567Trp). The arginine residue is highly conserved and there is a moderate physicochemical difference between arginine and tryptophan. This variant is not present in population databases (ExAC no frequency). This variant has not been reported in the literature in individuals with MYLK-related conditions. Advanced modeling of protein sequence and biophysical properties (such as structural, functional, and spatial information, amino acid conservation, physicochemical variation, residue mobility, and thermodynamic stability) performed at Invitae indicates that this missense variant is not expected to disrupt MYLK protein function. In summary, the available evidence is currently insufficient to determine the role of this variant in disease. Therefore, it has been classified as a Variant of Uncertain Significance.